The following is an entry in ClinVar:

ClinVar aggregate classification (germline): Uncertain significance (1 of 4 stars; one submission).

Conditions:
OPA3-related disorder. Also called: OPA3-related condition.

gnomAD v4.1: 7 of 1,611,518 alleles (0.00043%); highest among the groups gnomAD compares: Non-Finnish European, 0.00059%; no homozygotes.

Submission:

PreventionGenetics, part of Exact Sciences
Classification: Uncertain significance for OPA3-related condition. Last evaluated: 2024-11-10. Review status: criteria provided, single submitter. Criteria: ACMG Guidelines, 2015. Collection method: clinical testing. Allele origin: germline.
Comment: The OPA3 c.400G>T variant is predicted to result in premature protein termination (p.Glu134*). In an alternate transcript (NM_025136.3), this variant is found within a non-coding region (c.*24315G>T). To our knowledge, this variant has not been reported in patients with OPA3-associated disease. This variant is reported in 0.0065% of alleles in individuals of European (Non-Finnish) descent in gnomAD. At this time, the clinical significance of this variant is uncertain due to the absence of conclusive functional and genetic evidence.

NM_001017989.3(OPA3):c.400G>T (p.Glu134Ter)

Genes: OPA3 (outer mitochondrial membrane lipid metabolism regulator OPA3; minus strand), OPA3-RTN2 (OPA3-RTN2 readthrough; minus strand). Cytogenetic location: 19q13.32.
Variant type: single nucleotide variant.
Coding change: c.400G>T on transcript NM_001017989.3; coding-DNA position 400, G replaced by T.
Protein change: p.Glu134Ter; replaces glutamic acid 134 with a stop codon.
Molecular consequence: nonsense.
Genome position (GRCh38, 1-based): chr19:45,529,199, C>A on the plus strand (G>T on the coding strand, the complement: OPA3 is on the minus strand). VCF-style: chr19-45529199-C-A. GRCh37 (hg19) VCF-style: chr19-46032457-C-A.
Other names: short protein forms E134*.
Identifiers: ClinVar variation 5000720 (VCV005000720.1).
Genomic context (GRCh38, chr19:45,529,199, plus strand): 5'-CGCGCAGCTCCTCCAGGGCGAGCTGCGTCGACGTCGCCTGCACCTGCGCCTGCAACTCCT[C>A]GAGCGCCAGCCCCAAGTGGCCCACCTCGCCCCGCAGCGCCTCCCTGGCAACACGTCGCTC-3'